The following is an entry in ClinVar:

NM_002528.7(NTHL1):c.889C>T (p.Leu297Phe)

Gene: NTHL1 (nth like DNA glycosylase 1; minus strand). Cytogenetic location: 16p13.3.
Variant type: single nucleotide variant.
Coding change: c.889C>T on transcript NM_002528.7 (MANE Select); coding-DNA position 889, C replaced by T.
Protein change: p.Leu297Phe; replaces leucine 297 with phenylalanine.
Molecular consequence: missense variant.
Genome position (GRCh38, 1-based): chr16:2,039,950, G>A on the plus strand (C>T on the coding strand, the complement: NTHL1 is on the minus strand). VCF-style: chr16-2039950-G-A. GRCh37 (hg19) VCF-style: chr16-2089951-G-A.
Other names: c.718C>T, p.Leu240Phe (NM_001318193.2); c.559C>T, p.Leu187Phe (NM_001318194.2); short protein forms L240F, L187F, L297F.
Identifiers: ClinVar variation 1765934 (VCV001765934.9), dbSNP rs770964367, ClinGen allele CA7828068.

ClinVar aggregate classification (germline): Uncertain significance. Review status: criteria provided, multiple submitters, no conflicts (2 of 4 stars). 3 submissions from 3 submitters: Uncertain significance (3). Last evaluated 2025-09-27.

Conditions:
Hereditary cancer-predisposing syndrome. Also called: Hereditary Cancer Syndrome; Hereditary neoplastic syndrome; Neoplastic Syndromes, Hereditary; Tumor predisposition. Identifiers: Orphanet 140162, MedGen C0027672, MeSH D009386, MONDO:0015356.
Familial adenomatous polyposis 3. Also called: NTHL1-related attenuated familial adenomatous polyposis; NTHL1-Related Adenomatous Polyposis and Colorectal Cancer; NTHL1 Tumor Syndrome; NTHL1-associated polyposis. Identifiers: Orphanet 220460, Orphanet 454840, MedGen C4225157, MONDO:0014630, OMIM 616415.

gnomAD v4.1: 2 of 1,605,920 alleles (0.00012%); highest among the groups gnomAD compares: East Asian, 0.0022%; no homozygotes.

Submissions (3):

Labcorp Genetics (formerly Invitae), Labcorp
Classification: Uncertain significance. Last evaluated: 2025-09-27. Review status: criteria provided, single submitter. Criteria: Invitae Variant Classification Sherloc (09022015). Collection method: clinical testing. Allele origin: germline.
Comment: This sequence change replaces leucine, which is neutral and non-polar, with phenylalanine, which is neutral and non-polar, at codon 305 of the NTHL1 protein (p.Leu305Phe). This variant is present in population databases (rs770964367, gnomAD 0.02%). This variant has not been reported in the literature in individuals affected with NTHL1-related conditions. ClinVar contains an entry for this variant (Variation ID: 1765934). An algorithm developed to predict the effect of missense changes on protein structure and function (PolyPhen-2) suggests that this variant is likely to be tolerated. In summary, the available evidence is currently insufficient to determine the role of this variant in disease. Therefore, it has been classified as a Variant of Uncertain Significance.

Ambry Genetics
Classification: Uncertain significance for Hereditary cancer-predisposing syndrome. Last evaluated: 2024-12-16. Review status: criteria provided, single submitter. Criteria: Ambry Variant Classification Scheme 2023. Collection method: clinical testing. Allele origin: germline.
Comment: The p.L305F variant (also known as c.913C>T), located in coding exon 6 of the NTHL1 gene, results from a C to T substitution at nucleotide position 913. The leucine at codon 305 is replaced by phenylalanine, an amino acid with highly similar properties. This amino acid position is not well conserved in available vertebrate species. In addition, this alteration is predicted to be tolerated by in silico analysis. Since supporting evidence is limited at this time, the clinical significance of this alteration remains unclear.

Baylor Genetics
Classification: Uncertain significance for Familial adenomatous polyposis 3. Last evaluated: 2023-10-24. Review status: criteria provided, single submitter. Criteria: ACMG Guidelines, 2015. Collection method: clinical testing. Allele origin: unknown.